The following is an entry in ClinVar:

NM_015488.5(PNKD):c.989C>T (p.Pro330Leu)

Genes: PNKD (PNKD metallo-beta-lactamase domain containing; plus strand), CATIP-AS2 (CATIP antisense RNA 2; minus strand). Cytogenetic location: 2q35.
Variant type: single nucleotide variant.
Coding change: c.989C>T on transcript NM_015488.5 (MANE Select); coding-DNA position 989, C replaced by T.
Protein change: p.Pro330Leu; replaces proline 330 with leucine.
Molecular consequence: missense variant.
Genome position (GRCh38, 1-based): chr2:218,344,812, C>T. VCF-style: chr2-218344812-C-T. GRCh37 (hg19) VCF-style: chr2-219209535-C-T.
Other names: c.917C>T, p.Pro306Leu (NM_022572.5); short protein forms P306L, P330L.
Identifiers: ClinVar variation 2002736 (VCV002002736.4), dbSNP rs1694783270, ClinGen allele CA350543122.

ClinVar aggregate classification (germline): Uncertain significance (1 of 4 stars; one submission).

Conditions:
Paroxysmal nonkinesigenic dyskinesia. Also called: Paroxysmal non-kinesigenic dyskinesia. Identifiers: Orphanet 98810, MedGen C1869117, MONDO:0700088.

Submission:

Labcorp Genetics (formerly Invitae), Labcorp
Classification: Uncertain significance for Paroxysmal nonkinesigenic dyskinesia. Last evaluated: 2022-12-31. Review status: criteria provided, single submitter. Criteria: Invitae Variant Classification Sherloc (09022015). Collection method: clinical testing. Allele origin: germline.
Comment: Advanced modeling of protein sequence and biophysical properties (such as structural, functional, and spatial information, amino acid conservation, physicochemical variation, residue mobility, and thermodynamic stability) performed at Invitae indicates that this missense variant is expected to disrupt PNKD protein function. This sequence change replaces proline, which is neutral and non-polar, with leucine, which is neutral and non-polar, at codon 330 of the PNKD protein (p.Pro330Leu). This variant is not present in population databases (gnomAD no frequency). This variant has not been reported in the literature in individuals affected with PNKD-related conditions. In summary, the available evidence is currently insufficient to determine the role of this variant in disease. Therefore, it has been classified as a Variant of Uncertain Significance.